The following is an entry in ClinVar:

NM_001040142.2(SCN2A):c.4652A>C (p.Glu1551Ala)

Gene: SCN2A (sodium voltage-gated channel alpha subunit 2; plus strand). Cytogenetic location: 2q24.3.
Variant type: single nucleotide variant.
Coding change: c.4652A>C on transcript NM_001040142.2 (MANE Select); coding-DNA position 4652, A replaced by C.
Protein change: p.Glu1551Ala; replaces glutamic acid 1551 with alanine.
Molecular consequence: missense variant.
Genome position (GRCh38, 1-based): chr2:165,386,846, A>C. VCF-style: chr2-165386846-A-C. GRCh37 (hg19) VCF-style: chr2-166243356-A-C.
Other names: c.4652A>C, p.Glu1551Ala (NM_001040143.2, NM_001371246.1, NM_001371247.1 and 1 more transcripts); short protein forms E1551A.
Identifiers: ClinVar variation 1994107 (VCV001994107.4), dbSNP rs2468149619, ClinGen allele CA349036375.

ClinVar aggregate classification (germline): Likely pathogenic (1 of 4 stars; one submission).

Conditions:
Developmental and epileptic encephalopathy, 11 (DEE11). Also called: Early infantile epileptic encephalopathy 11. Identifiers: Orphanet 1934, MedGen C3150987, MONDO:0013388, OMIM 613721.
Seizures, benign familial infantile, 3 (BFIS3). Also called: CONVULSIONS, BENIGN FAMILIAL INFANTILE, 3; Familial neonatal seizures. Identifiers: Orphanet 140927, Orphanet 306, MedGen C1843140, MONDO:0011904, OMIM 607745.

Submission:

Labcorp Genetics (formerly Invitae), Labcorp
Classification: Likely pathogenic for Seizures, benign familial infantile, 3; Developmental and epileptic encephalopathy, 11. Last evaluated: 2022-06-27. Review status: criteria provided, single submitter. Criteria: Invitae Variant Classification Sherloc (09022015). Collection method: clinical testing. Allele origin: germline.
Comment: In summary, the currently available evidence indicates that the variant is pathogenic, but additional data are needed to prove that conclusively. Therefore, this variant has been classified as Likely Pathogenic. Algorithms developed to predict the effect of missense changes on protein structure and function are either unavailable or do not agree on the potential impact of this missense change (SIFT: "Deleterious"; PolyPhen-2: "Possibly Damaging"; Align-GVGD: "Class C0"). This missense change has been observed in individual(s) with clinical features of SCN2A-related conditions (Invitae). In at least one individual the variant was observed to be de novo. This variant is not present in population databases (gnomAD no frequency). This sequence change replaces glutamic acid, which is acidic and polar, with alanine, which is neutral and non-polar, at codon 1551 of the SCN2A protein (p.Glu1551Ala).